The following is an entry in ClinVar:

ClinVar aggregate classification (germline): Uncertain significance (1 of 4 stars; one submission).

Conditions:
Familial cancer of breast. Also called: BREAST CANCER, FAMILIAL; Hereditary breast cancer; hereditary breast carcinoma. Identifiers: Orphanet 227535, MedGen C0346153, MONDO:0016419, OMIM 114480. Disease mechanism: loss of function.

Submission:

Labcorp Genetics (formerly Invitae), Labcorp
Classification: Uncertain significance for Familial cancer of breast. Last evaluated: 2017-12-06. Review status: criteria provided, single submitter. Criteria: Invitae Variant Classification Sherloc (09022015). Collection method: clinical testing. Allele origin: germline.
Comment: Nucleotide substitutions, including deletions within the consensus splice site are a relatively common cause of aberrant splicing (PMID: 17576681, 9536098). Algorithms developed to predict the effect of sequence changes on RNA splicing suggest that this variant may disrupt the consensus splice site, but this prediction has not been confirmed by published transcriptional studies. In summary, the available evidence is currently insufficient to determine the role of this variant in disease. Therefore, it has been classified as a Variant of Uncertain Significance. This variant has not been reported in the literature in individuals with CHEK2-related disease. This sequence change falls in intron 8 of the CHEK2 gene. It does not directly change the encoded amino acid sequence of the CHEK2 protein, but it affects a nucleotide within the consensus splice site of the intron. This variant is not present in population databases (ExAC no frequency).

Literature cited by the submitters: PubMed 17576681; PubMed 9536098.

NM_007194.4(CHEK2):c.908+4del

Gene: CHEK2 (checkpoint kinase 2; minus strand). Cytogenetic location: 22q12.1.
Variant type: Deletion.
Coding change: c.908+4del on transcript NM_007194.4 (MANE Select); 4 bases into the intron after coding-DNA position 908, one base deleted (A; older notation c.908+4delA).
Molecular consequence: intron variant.
Genome position (GRCh38, 1-based): chr22:28,703,501, T deleted on the plus strand (A on the coding strand, the reverse complement: CHEK2 is on the minus strand); the first of 2 consecutive T bases (chr22:28,703,501-28,703,502); deleting either gives the same sequence. VCF-style (leftmost placement, unchanged base first): chr22-28703500-CT-C. GRCh37 (hg19) VCF-style: chr22-29099488-CT-C.
Other names: c.908+4delA (NM_007194.3); c.245+4del (NM_001437942.1, NM_001257387.3); c.707+4del (NM_001349956.3); c.908+4del (NM_145862.3); c.1001+4del (NM_001438295.1, NM_001438293.1); c.1037+4del (NM_001438294.1, NM_001005735.3).
Identifiers: ClinVar variation 530173 (VCV000530173.7), dbSNP rs1555916874, ClinGen allele CA658799515.